The following is an entry in ClinVar:

ClinVar aggregate classification (germline): Uncertain significance (1 of 4 stars; one submission).

Allele frequency attached by ClinVar (database versions not stated): gnomAD 0.00001; gnomAD exomes 0.00001; TOPMed 0.00002.
gnomAD v4.1: 10 of 1,571,040 alleles (0.00064%); highest among the groups gnomAD compares: Non-Finnish European, 0.00088%; no homozygotes.

Submission:

Labcorp Genetics (formerly Invitae), Labcorp
Classification: Uncertain significance. Last evaluated: 2022-11-08. Review status: criteria provided, single submitter. Criteria: Invitae Variant Classification Sherloc (09022015). Collection method: clinical testing. Allele origin: germline.
Comment: This sequence change replaces glycine, which is neutral and non-polar, with arginine, which is basic and polar, at codon 54 of the GINS1 protein (p.Gly54Arg). This variant is present in population databases (rs200137375, gnomAD 0.0008%). This variant has not been reported in the literature in individuals affected with GINS1-related conditions. ClinVar contains an entry for this variant (Variation ID: 1018784). Algorithms developed to predict the effect of missense changes on protein structure and function are either unavailable or do not agree on the potential impact of this missense change (SIFT: "Not Available"; PolyPhen-2: "Possibly Damaging"; Align-GVGD: "Not Available"). In summary, the available evidence is currently insufficient to determine the role of this variant in disease. Therefore, it has been classified as a Variant of Uncertain Significance.

NM_021067.5(GINS1):c.160G>A (p.Gly54Arg)

Gene: GINS1 (GINS complex subunit 1; plus strand). Cytogenetic location: 20p11.21.
Variant type: single nucleotide variant.
Coding change: c.160G>A on transcript NM_021067.5 (MANE Select); coding-DNA position 160, G replaced by A.
Protein change: p.Gly54Arg; replaces glycine 54 with arginine.
Molecular consequence: missense variant. On other transcripts: non-coding transcript variant (1).
Genome position (GRCh38, 1-based): chr20:25,417,123, G>A. VCF-style: chr20-25417123-G-A. GRCh37 (hg19) VCF-style: chr20-25397759-G-A.
Other names: short protein forms G54R.
Identifiers: ClinVar variation 1018784 (VCV001018784.7), dbSNP rs200137375, ClinGen allele CA313707529.